The following is an entry in ClinVar:

NM_000051.4(ATM):c.8754G>A (p.Met2918Ile)

Genes: ATM (ATM serine/threonine kinase; plus strand), C11orf65 (chromosome 11 open reading frame 65; minus strand). Cytogenetic location: 11q22.3.
Variant type: single nucleotide variant.
Coding change: c.8754G>A on transcript NM_000051.4 (MANE Select); coding-DNA position 8754, G replaced by A.
Protein change: p.Met2918Ile; replaces methionine 2918 with isoleucine.
Molecular consequence: missense variant. On other transcripts: intron variant (2).
Genome position (GRCh38, 1-based): chr11:108,353,848, G>A. VCF-style: chr11-108353848-G-A. GRCh37 (hg19) VCF-style: chr11-108224575-G-A.
Other names: c.8754G>A, p.Met2918Ile (NM_001351834.2); c.640+32072C>T (NM_001330368.2); c.695-18556C>T (NM_001351110.2); short protein forms M2918I.
Identifiers: ClinVar variation 1363596 (VCV001363596.10), dbSNP rs2137293810, ClinGen allele CA382524097.

ClinVar aggregate classification (germline): Uncertain significance. Review status: criteria provided, multiple submitters, no conflicts (2 of 4 stars). 2 submissions from 2 submitters: Uncertain significance (2). Last evaluated 2026-01-20.

Conditions:
Ataxia-telangiectasia syndrome (AT). Also called: Ataxia-telangiectasia; LOUIS-BAR SYNDROME; Ataxia-telangiectasia, complementation group D; AT, COMPLEMENTATION GROUP C; ATAXIA-TELANGIECTASIA, COMPLEMENTATION GROUP A; ATAXIA-TELANGIECTASIA, FRESNO VARIANT. Identifiers: Orphanet 100, MedGen C0004135, MONDO:0008840, OMIM 208900.
Hereditary cancer-predisposing syndrome. Also called: Tumor predisposition; Neoplastic Syndromes, Hereditary; Hereditary Cancer Syndrome; Hereditary neoplastic syndrome. Identifiers: Orphanet 140162, MedGen C0027672, MeSH D009386, MONDO:0015356.

Allele frequency attached by ClinVar (database versions not stated): gnomAD exomes below 0.00001.
gnomAD v4.1: 1 of 1,613,898 alleles (0.000062%); highest among the groups gnomAD compares: Non-Finnish European, 0.000085%; no homozygotes.

Submissions (2):

Ambry Genetics
Classification: Uncertain significance for Hereditary cancer-predisposing syndrome. Last evaluated: 2026-01-20. Review status: criteria provided, single submitter. Criteria: Ambry Variant Classification Scheme 2023. Collection method: clinical testing. Allele origin: germline.
Comment: The p.M2918I variant (also known as c.8754G>A), located in coding exon 59 of the ATM gene, results from a G to A substitution at nucleotide position 8754. The methionine at codon 2918 is replaced by isoleucine, an amino acid with highly similar properties. This amino acid position is conserved. In addition, this alteration is predicted to be deleterious by in silico analysis. Based on the available evidence, the clinical significance of this variant remains unclear.

Labcorp Genetics (formerly Invitae), Labcorp
Classification: Uncertain significance for Ataxia-telangiectasia syndrome. Last evaluated: 2021-09-10. Review status: criteria provided, single submitter. Criteria: Invitae Variant Classification Sherloc (09022015). Collection method: clinical testing. Allele origin: germline.
Comment: This sequence change replaces methionine with isoleucine at codon 2918 of the ATM protein (p.Met2918Ile). The methionine residue is highly conserved and there is a small physicochemical difference between methionine and isoleucine. This variant is not present in population databases (ExAC no frequency). This variant has not been reported in the literature in individuals affected with ATM-related conditions. Advanced modeling of protein sequence and biophysical properties (such as structural, functional, and spatial information, amino acid conservation, physicochemical variation, residue mobility, and thermodynamic stability) performed at Invitae indicates that this missense variant is expected to disrupt ATM protein function. In summary, the available evidence is currently insufficient to determine the role of this variant in disease. Therefore, it has been classified as a Variant of Uncertain Significance.